The following is an entry in ClinVar:

NM_001199799.2(ILDR1):c.1312C>T (p.Pro438Ser)

Gene: ILDR1 (immunoglobulin like domain containing receptor 1; minus strand). Cytogenetic location: 3q13.33.
Variant type: single nucleotide variant.
Coding change: c.1312C>T on transcript NM_001199799.2 (MANE Select); coding-DNA position 1312, C replaced by T.
Protein change: p.Pro438Ser; replaces proline 438 with serine.
Molecular consequence: missense variant.
Genome position (GRCh38, 1-based): chr3:121,993,437, G>A on the plus strand (C>T on the coding strand, the complement: ILDR1 is on the minus strand). VCF-style: chr3-121993437-G-A. GRCh37 (hg19) VCF-style: chr3-121712284-G-A.
Other names: c.1045C>T, p.Pro349Ser (NM_001199800.2); c.1180C>T, p.Pro394Ser (NM_175924.4); short protein forms P349S, P394S, P438S.
Identifiers: ClinVar variation 1032698 (VCV001032698.3), dbSNP rs554966703, ClinGen allele CA2568716.

ClinVar aggregate classification (germline): Uncertain significance. Review status: criteria provided, multiple submitters, no conflicts (2 of 4 stars). 2 submissions from 2 submitters: Uncertain significance (2). Last evaluated 2025-10-23.

Conditions:
Autosomal recessive nonsyndromic hearing loss 42. Identifiers: Orphanet 90636, MedGen C1864818, MONDO:0012326, OMIM 609646.

Allele frequency attached by ClinVar (database versions not stated): gnomAD exomes 0.00001; ExAC 0.00002; TOPMed 0.00007; gnomAD 0.00008; 1000 Genomes Project 30x 0.00016; 1000 Genomes Project 0.00020.
gnomAD v4.1: 22 of 1,614,094 alleles (0.0014%); highest among the groups gnomAD compares: African/African-American, 0.016%; no homozygotes.

Submissions (2):

GeneDx
Classification: Uncertain significance. Last evaluated: 2025-10-23. Review status: criteria provided, single submitter. Criteria: GeneDx Variant Classification Process June 2021. Collection method: clinical testing. Allele origin: germline.
Comment: In silico analysis suggests that this missense variant does not alter protein structure/function; Has not been previously published as pathogenic or benign to our knowledge

Baylor Genetics
Classification: Uncertain significance for Autosomal recessive nonsyndromic hearing loss 42. Last evaluated: 2018-05-04. Review status: criteria provided, single submitter. Criteria: ACMG Guidelines, 2015. Collection method: clinical testing. Allele origin: maternal. Affected: yes.
Comment: This variant was determined to be of uncertain significance according to ACMG Guidelines, 2015 [PMID:25741868].